The following is an entry in ClinVar:

ClinVar aggregate classification (germline): Uncertain significance (1 of 4 stars; one submission).

Submission:

Labcorp Genetics (formerly Invitae), Labcorp
Classification: Uncertain significance. Last evaluated: 2025-02-09. Review status: criteria provided, single submitter. Criteria: Invitae Variant Classification Sherloc (09022015). Collection method: clinical testing. Allele origin: germline.
Comment: This sequence change replaces valine, which is neutral and non-polar, with leucine, which is neutral and non-polar, at codon 277 of the BCORL1 protein (p.Val277Leu). This variant is present in population databases (rs779991402, gnomAD 0.02%). This variant has not been reported in the literature in individuals affected with BCORL1-related conditions. Experimental studies and prediction algorithms are not available or were not evaluated, and the functional significance of this variant is currently unknown. In summary, the available evidence is currently insufficient to determine the role of this variant in disease. Therefore, it has been classified as a Variant of Uncertain Significance.

NM_001379451.1(BCORL1):c.829G>C (p.Val277Leu)

Gene: BCORL1 (BCL6 corepressor like 1; plus strand). Cytogenetic location: Xq26.1.
Variant type: single nucleotide variant.
Coding change: c.829G>C on transcript NM_001379451.1 (MANE Select); coding-DNA position 829, G replaced by C.
Protein change: p.Val277Leu; replaces valine 277 with leucine.
Molecular consequence: missense variant.
Genome position (GRCh38, 1-based): chrX:130,013,601, G>C. VCF-style: chrX-130013601-G-C. GRCh37 (hg19) VCF-style: chrX-129147577-G-C.
Other names: c.829G>C, p.Val277Leu (NM_021946.5, NM_001184772.3, NM_001379450.1); short protein forms V277L.
Identifiers: ClinVar variation 3725542 (VCV003725542.2).
Genomic context (GRCh38, chrX:130,013,601, plus strand): 5'-GCTCTGGCTCCAGCGCCACCGTCAGTGCCCACGCTCATCTCTGACTCGAACCCCCTTTCT[G>C]TTTCGGCCTCAGTCTTGGTGCCTGTGCCAGCTTCTGCTCCCCCTTCAGGCCCGGTTCCCT-3'
Protein context (NP_001366380.1, residues 267-287): TLISDSNPLS[Val277Leu]SASVLVPVPA